The following is an entry in ClinVar:

NM_001372044.2(SHANK3):c.5372G>A (p.Gly1791Asp)

Gene: SHANK3 (SH3 and multiple ankyrin repeat domains 3; plus strand). Cytogenetic location: 22q13.33.
Variant type: single nucleotide variant.
Coding change: c.5372G>A on transcript NM_001372044.2 (MANE Select); coding-DNA position 5372, G replaced by A.
Protein change: p.Gly1791Asp; replaces glycine 1791 with aspartic acid.
Molecular consequence: missense variant.
Genome position (GRCh38, 1-based): chr22:50,731,263, G>A. VCF-style: chr22-50731263-G-A. GRCh37 (hg19) VCF-style: chr22-51169691-G-A.
Other names: c.5147G>A (NM_033517.1); short protein forms G1791D.
Identifiers: ClinVar variation 1311465 (VCV001311465.2), dbSNP rs2146844132, ClinGen allele CA515268130.

ClinVar aggregate classification (germline): Uncertain significance (1 of 4 stars; one submission).

Submission:

GeneDx
Classification: Uncertain significance. Last evaluated: 2020-10-16. Review status: criteria provided, single submitter. Criteria: GeneDx Variant Classification Process June 2021. Collection method: clinical testing. Allele origin: germline. Affected: yes.
Comment: Not observed in large population cohorts (Lek et al., 2016); In silico analysis, which includes protein predictors and evolutionary conservation, supports a deleterious effect; Has not been previously published as pathogenic or benign to our knowledge